The following is an entry in ClinVar:

NM_001303052.2(MYT1L):c.629A>G (p.Lys210Arg)

Gene: MYT1L (myelin transcription factor 1 like; minus strand). Cytogenetic location: 2p25.3.
Variant type: single nucleotide variant.
Coding change: c.629A>G on transcript NM_001303052.2 (MANE Select); coding-DNA position 629, A replaced by G.
Protein change: p.Lys210Arg; replaces lysine 210 with arginine.
Molecular consequence: missense variant.
Genome position (GRCh38, 1-based): chr2:1,923,140, T>C on the plus strand (A>G on the coding strand, the complement: MYT1L is on the minus strand). VCF-style: chr2-1923140-T-C. GRCh37 (hg19) VCF-style: chr2-1926912-T-C.
Other names: c.629A>G, p.Lys210Arg (NM_001329844.2, NM_001329845.1, NM_001329846.3 and 6 more transcripts); short protein forms K210R.
Identifiers: ClinVar variation 3036855 (VCV003036855.3), dbSNP rs763005165, ClinGen allele CA41426865.

ClinVar aggregate classification (germline): Uncertain significance (1 of 4 stars; one submission).

Conditions:
MYT1L-related disorder. Also called: MYT1L-related condition.

Submission:

PreventionGenetics, part of Exact Sciences
Classification: Uncertain significance for MYT1L-related condition. Last evaluated: 2025-08-15. Review status: criteria provided, single submitter. Criteria: ACMG Guidelines, 2015. Collection method: clinical testing. Allele origin: germline.
Comment: The MYT1L c.629A>G variant is predicted to result in the amino acid substitution p.Lys210Arg. To our knowledge, this variant has not been reported in the literature or in a large population database (gnomAD), indicating this variant is rare. At this time, the clinical significance of this variant is uncertain due to the absence of conclusive functional and genetic evidence.